The following is an entry in ClinVar:

NM_182643.3(DLC1):c.1349-3T>C

Gene: DLC1 (DLC1 Rho GTPase activating protein; minus strand). Cytogenetic location: 8p22.
Variant type: single nucleotide variant.
Coding change: c.1349-3T>C on transcript NM_182643.3 (MANE Select); 3 bases into the intron before coding-DNA position 1349, T replaced by C.
Molecular consequence: intron variant. On other transcripts: genic upstream transcript variant (2).
Genome position (GRCh38, 1-based): chr8:13,115,660, A>G on the plus strand (T>C on the coding strand, the complement: DLC1 is on the minus strand). VCF-style: chr8-13115660-A-G. GRCh37 (hg19) VCF-style: chr8-12973169-A-G.
Other names: c.-103-3T>C (NM_001348082.2, NM_001413128.1, NM_001348084.2); c.1349-3T>C (NM_001348081.2, NM_001413124.1); c.-185-3T>C (NM_001413126.1, NM_001413127.1, NM_001164271.2 and 1 more transcripts); c.-148-3T>C (NM_001413131.1, NM_001413137.1); c.140-3T>C (NM_001413129.1, NM_001316668.2, NM_001413132.1); c.-422-3T>C (NM_001413133.1, NM_001413138.1); c.131-3T>C (NM_001413130.1); c.38-3T>C (NM_001413136.1, NM_001413139.1, NM_001413135.1 and 2 more transcripts).
Identifiers: ClinVar variation 2870013 (VCV002870013.3), dbSNP rs748534365, ClinGen allele CA4638979.

ClinVar aggregate classification (germline): Uncertain significance (1 of 4 stars; one submission).

Allele frequency attached by ClinVar (database versions not stated): gnomAD exomes below 0.00001; ExAC 0.00002; gnomAD 0.00001; TOPMed 0.00003.
gnomAD v4.1: 5 of 1,613,762 alleles (0.00031%); highest among the groups gnomAD compares: East Asian, 0.0089%; no homozygotes.

Submission:

Labcorp Genetics (formerly Invitae), Labcorp
Classification: Uncertain significance. Last evaluated: 2026-01-05. Review status: criteria provided, single submitter. Criteria: Invitae Variant Classification Sherloc (09022015). Collection method: clinical testing. Allele origin: germline.
Comment: This sequence change falls in intron 5 of the DLC1 gene. It does not directly change the encoded amino acid sequence of the DLC1 protein. It affects a nucleotide within the consensus splice site. This variant is present in population databases (rs748534365, gnomAD 0.03%). This variant has not been reported in the literature in individuals affected with DLC1-related conditions. ClinVar contains an entry for this variant (Variation ID: 2870013). Variants that disrupt the consensus splice site are a relatively common cause of aberrant splicing (PMID: 17576681, 9536098). Algorithms developed to predict the effect of sequence changes on RNA splicing suggest that this variant is not likely to affect RNA splicing. In summary, the available evidence is currently insufficient to determine the role of this variant in disease. Therefore, it has been classified as a Variant of Uncertain Significance.

Literature cited by the submitters: PubMed 17576681; PubMed 9536098.